The following is an entry in ClinVar:

ClinVar aggregate classification (germline): Uncertain significance (1 of 4 stars; one submission).

Conditions:
Hereditary cancer-predisposing syndrome. Also called: Hereditary Cancer Syndrome; Hereditary neoplastic syndrome; Tumor predisposition; Neoplastic Syndromes, Hereditary. Identifiers: Orphanet 140162, MedGen C0027672, MeSH D009386, MONDO:0015356.
Cardiovascular phenotype. Identifiers: MedGen CN230736.

Submission:

Ambry Genetics
Classification: Uncertain significance for Cardiovascular phenotype; Hereditary cancer-predisposing syndrome. Last evaluated: 2024-11-10. Review status: criteria provided, single submitter. Criteria: Ambry Variant Classification Scheme 2023. Collection method: clinical testing. Allele origin: germline.
Comment: The p.D185E variant (also known as c.555C>G), located in coding exon 6 of the LZTR1 gene, results from a C to G substitution at nucleotide position 555. The aspartic acid at codon 185 is replaced by glutamic acid, an amino acid with highly similar properties. This amino acid position is conserved. In addition, this alteration is predicted to be tolerated by in silico analysis. Based on the available evidence, the clinical significance of this variant remains unclear.

NM_006767.4(LZTR1):c.555C>G (p.Asp185Glu)

Gene: LZTR1 (leucine zipper like post translational regulator 1; plus strand). Cytogenetic location: 22q11.21.
Variant type: single nucleotide variant.
Coding change: c.555C>G on transcript NM_006767.4 (MANE Select); coding-DNA position 555, C replaced by G.
Protein change: p.Asp185Glu; replaces aspartic acid 185 with glutamic acid.
Molecular consequence: missense variant.
Genome position (GRCh38, 1-based): chr22:20,988,834, C>G. VCF-style: chr22-20988834-C-G. GRCh37 (hg19) VCF-style: chr22-21343123-C-G.
Other names: short protein forms D185E.
Identifiers: ClinVar variation 3541695 (VCV003541695.1).
Genomic context (GRCh38, chr22:20,988,834, plus strand): 5'-TCCCTCACACTCCAGGTTGCCAGTCGCTAGGTCAGCCCATGGGGCCACGGTGTACAGTGA[C>G]AAGCTGTGGATCTTTGCTGGCTATGACGGCAACGCCAGGTGGGTGGTGGTCCGGCCTGTG-3'
Protein context (NP_006758.2, residues 175-195): RSAHGATVYS[Asp185Glu]KLWIFAGYDG